The following is an entry in ClinVar:

ClinVar aggregate classification (germline): Conflicting classifications of pathogenicity. Review status: criteria provided, conflicting classifications (1 of 4 stars). 3 submissions from 3 submitters: Uncertain significance (2); Likely benign (1). Last evaluated 2025-07-29.

Conditions:
Congenital contractural arachnodactyly (CCA). Also called: BEALS SYNDROME; Beals-Hecht syndrome; Arthrogryposis, distal, type 9. Identifiers: Orphanet 115, MedGen C0220668, MONDO:0007363, OMIM 121050.
Familial thoracic aortic aneurysm and aortic dissection (TAAD). Also called: Thoracic aortic aneurysms and dissections. Identifiers: Orphanet 91387, MedGen C4707243, MONDO:0019625.

Allele frequency attached by ClinVar (database versions not stated): TOPMed below 0.00001; gnomAD 0.00001; gnomAD exomes 0.00001.
gnomAD v4.1: 13 of 1,613,958 alleles (0.00081%); highest among the groups gnomAD compares: Middle Eastern, 0.016%; no homozygotes.

Submissions (3):

Labcorp Genetics (formerly Invitae), Labcorp
Classification: Likely benign for Congenital contractural arachnodactyly. Last evaluated: 2025-07-29. Review status: criteria provided, single submitter. Criteria: Invitae Variant Classification Sherloc (09022015). Collection method: clinical testing. Allele origin: germline.

GeneDx
Classification: Uncertain significance. Last evaluated: 2024-03-26. Review status: criteria provided, single submitter. Criteria: GeneDx Variant Classification Process June 2021. Collection method: clinical testing. Allele origin: germline. Affected: yes.
Comment: Has not been previously published as pathogenic or benign to our knowledge; Not observed at significant frequency in large population cohorts (gnomAD); In silico analysis supports that this missense variant has a deleterious effect on protein structure/function; This variant is associated with the following publications: (PMID: 19006240, 18767143)

Ambry Genetics
Classification: Uncertain significance for Familial thoracic aortic aneurysm and aortic dissection. Last evaluated: 2016-01-07. Review status: criteria provided, single submitter. Criteria: Ambry Variant Classification Scheme 2023. Collection method: clinical testing. Allele origin: germline.
Comment: The p.R1307C variant (also known as c.3919C>T), located in coding exon 30 of the FBN2 gene, results from a C to T substitution at nucleotide position 3919. The arginine at codon 1307 is replaced by cysteine, an amino acid with highly dissimilar properties. This variant was not reported in population based cohorts in the following databases: Database of Single Nucleotide Polymorphisms (dbSNP), NHLBI Exome Sequencing Project (ESP), and 1000 Genomes Project. In the ESP, this variant was not observed in 6503 samples (13006 alleles) with coverage at this position. This amino acid position is well conserved in available vertebrate species. In addition, this alteration is predicted to be deleterious by in silico analysis. Since supporting evidence is limited at this time, the clinical significance of this variant remains unclear.

NM_001999.4(FBN2):c.3919C>T (p.Arg1307Cys)

Gene: FBN2 (fibrillin 2; minus strand). Cytogenetic location: 5q23.3.
Variant type: single nucleotide variant.
Coding change: c.3919C>T on transcript NM_001999.4 (MANE Select); coding-DNA position 3919, C replaced by T.
Protein change: p.Arg1307Cys; replaces arginine 1307 with cysteine.
Molecular consequence: missense variant.
Genome position (GRCh38, 1-based): chr5:128,335,224, G>A on the plus strand (C>T on the coding strand, the complement: FBN2 is on the minus strand). VCF-style: chr5-128335224-G-A. GRCh37 (hg19) VCF-style: chr5-127670916-G-A.
Other names: short protein forms R1307C.
Identifiers: ClinVar variation 519808 (VCV000519808.18), dbSNP rs922751471, ClinGen allele CA127008422.